The following is an entry in ClinVar:

ClinVar aggregate classification (germline): Uncertain significance. Review status: criteria provided, multiple submitters, no conflicts (2 of 4 stars). 2 submissions from 2 submitters: Uncertain significance (2). Last evaluated 2024-11-07.

Conditions:
Inborn genetic diseases. Identifiers: MedGen C0950123, MeSH D030342.
Glycine encephalopathy. Also called: Nonketotic hyperglycinemia; Non-ketotic hyperglycinemia. Identifiers: Orphanet 407, MedGen C0751748, MONDO:0011612, HP:0008288.

Allele frequency attached by ClinVar (database versions not stated): ExAC 0.00002; gnomAD 0.00003; gnomAD exomes 0.00004; TOPMed 0.00007; ESP Exome Variant Server 0.00008.
gnomAD v4.1: 67 of 1,614,008 alleles (0.0042%); highest among the groups gnomAD compares: African/African-American, 0.0067%; no homozygotes.

Submissions (2):

Ambry Genetics
Classification: Uncertain significance for Inborn genetic diseases. Last evaluated: 2024-11-07. Review status: criteria provided, single submitter. Criteria: Ambry Variant Classification Scheme 2023. Collection method: clinical testing. Allele origin: germline.

Labcorp Genetics (formerly Invitae), Labcorp
Classification: Uncertain significance for Glycine encephalopathy. Last evaluated: 2022-06-27. Review status: criteria provided, single submitter. Criteria: Invitae Variant Classification Sherloc (09022015). Collection method: clinical testing. Allele origin: germline.
Comment: This sequence change replaces arginine, which is basic and polar, with cysteine, which is neutral and slightly polar, at codon 219 of the AMT protein (p.Arg219Cys). This variant is present in population databases (rs150079386, gnomAD 0.008%). This variant has not been reported in the literature in individuals affected with AMT-related conditions. Advanced modeling of protein sequence and biophysical properties (such as structural, functional, and spatial information, amino acid conservation, physicochemical variation, residue mobility, and thermodynamic stability) performed at Invitae indicates that this missense variant is expected to disrupt AMT protein function. In summary, the available evidence is currently insufficient to determine the role of this variant in disease. Therefore, it has been classified as a Variant of Uncertain Significance.

NM_000481.4(AMT):c.655C>T (p.Arg219Cys)

Gene: AMT (aminomethyltransferase; minus strand). Cytogenetic location: 3p21.31.
Variant type: single nucleotide variant.
Coding change: c.655C>T on transcript NM_000481.4 (MANE Select); coding-DNA position 655, C replaced by T.
Protein change: p.Arg219Cys; replaces arginine 219 with cysteine.
Molecular consequence: missense variant. On other transcripts: non-coding transcript variant (1).
Genome position (GRCh38, 1-based): chr3:49,419,301, G>A on the plus strand (C>T on the coding strand, the complement: AMT is on the minus strand). VCF-style: chr3-49419301-G-A. GRCh37 (hg19) VCF-style: chr3-49456734-G-A.
Other names: c.523C>T, p.Arg175Cys (NM_001164710.2); c.487C>T, p.Arg163Cys (NM_001164711.2); c.655C>T, p.Arg219Cys (NM_001164712.2); short protein forms R175C, R163C, R219C.
Identifiers: ClinVar variation 2064879 (VCV002064879.2), dbSNP rs150079386, ClinGen allele CA2398288.